The following is an entry in ClinVar:

NM_005251.3(FOXC2):c.859C>G (p.Leu287Val)

Gene: FOXC2 (forkhead box C2; plus strand). Cytogenetic location: 16q24.1.
Variant type: single nucleotide variant.
Coding change: c.859C>G on transcript NM_005251.3 (MANE Select); coding-DNA position 859, C replaced by G.
Protein change: p.Leu287Val; replaces leucine 287 with valine.
Molecular consequence: missense variant.
Genome position (GRCh38, 1-based): chr16:86,568,194, C>G. VCF-style: chr16-86568194-C-G. GRCh37 (hg19) VCF-style: chr16-86601800-C-G.
Other names: short protein forms L287V.
Identifiers: ClinVar variation 2000266 (VCV002000266.4), dbSNP rs2507945488, ClinGen allele CA397008952.

ClinVar aggregate classification (germline): Uncertain significance (1 of 4 stars; one submission).

Submission:

Labcorp Genetics (formerly Invitae), Labcorp
Classification: Uncertain significance. Last evaluated: 2022-09-14. Review status: criteria provided, single submitter. Criteria: Invitae Variant Classification Sherloc (09022015). Collection method: clinical testing. Allele origin: germline.
Comment: This sequence change replaces leucine, which is neutral and non-polar, with valine, which is neutral and non-polar, at codon 287 of the FOXC2 protein (p.Leu287Val). This variant is not present in population databases (gnomAD no frequency). In summary, the available evidence is currently insufficient to determine the role of this variant in disease. Therefore, it has been classified as a Variant of Uncertain Significance. Algorithms developed to predict the effect of missense changes on protein structure and function are either unavailable or do not agree on the potential impact of this missense change (SIFT: "Tolerated"; PolyPhen-2: "Probably Damaging"; Align-GVGD: "Class C0"). This variant has not been reported in the literature in individuals affected with FOXC2-related conditions.